The following is an entry in ClinVar:

NM_015030.2(FRYL):c.8181G>T (p.Glu2727Asp)

Gene: FRYL (FRY like transcription coactivator; minus strand). Cytogenetic location: 4p11.
Variant type: single nucleotide variant.
Coding change: c.8181G>T on transcript NM_015030.2 (MANE Select); coding-DNA position 8181, G replaced by T.
Protein change: p.Glu2727Asp; replaces glutamic acid 2727 with aspartic acid.
Molecular consequence: missense variant.
Genome position (GRCh38, 1-based): chr4:48,510,949, C>A on the plus strand (G>T on the coding strand, the complement: FRYL is on the minus strand). VCF-style: chr4-48510949-C-A. GRCh37 (hg19) VCF-style: chr4-48512966-C-A.
Other names: short protein forms E2727D.
Identifiers: ClinVar variation 2359013 (VCV002359013.3), dbSNP rs769705409, ClinGen allele CA2913935.

ClinVar aggregate classification (germline): Conflicting classifications of pathogenicity. Review status: criteria provided, conflicting classifications (1 of 4 stars). 2 submissions from 2 submitters: Uncertain significance (1); Likely benign (1). Last evaluated 2026-08-01.

Allele frequency attached by ClinVar (database versions not stated): gnomAD 0.00007; TOPMed 0.00020.
gnomAD v4.1: 69 of 1,612,276 alleles (0.0043%); highest among the groups gnomAD compares: Admixed American, 0.11%; no homozygotes.

Submissions (2):

CeGaT Center for Human Genetics Tuebingen
Classification: Likely benign. Last evaluated: 2026-08-01. Review status: criteria provided, single submitter. Criteria: CeGaT Center For Human Genetics Tuebingen Variant Classification Criteria Version 2. Collection method: clinical testing. Allele origin: germline. Affected: yes. Observed: 1 variant allele.
Comment: FRYL: BP4, BS1

Ambry Genetics
Classification: Uncertain significance. Last evaluated: 2021-06-11. Review status: criteria provided, single submitter. Criteria: Ambry Variant Classification Scheme 2023. Collection method: clinical testing. Allele origin: germline.